The following is an entry in ClinVar:

NM_003477.3(PDHX):c.688G>A (p.Glu230Lys)

Gene: PDHX (pyruvate dehydrogenase complex component X; plus strand). Cytogenetic location: 11p13.
Variant type: single nucleotide variant.
Coding change: c.688G>A on transcript NM_003477.3 (MANE Select); coding-DNA position 688, G replaced by A.
Protein change: p.Glu230Lys; replaces glutamic acid 230 with lysine.
Molecular consequence: missense variant. On other transcripts: intron variant (1).
Genome position (GRCh38, 1-based): chr11:34,966,686, G>A. VCF-style: chr11-34966686-G-A. GRCh37 (hg19) VCF-style: chr11-34988233-G-A.
Other names: c.508G>A, p.Glu170Lys (NM_001135024.2); c.343-17884G>A (NM_001166158.2); short protein forms E170K, E230K.
Identifiers: ClinVar variation 1428370 (VCV001428370.7), dbSNP rs370210752, ClinGen allele CA5945962.
Genomic context (GRCh38, chr11:34,966,686, plus strand): 5'-GCTCTTATTTCCAGGGATGCTCTCAAACTTGTCCAGTTGAAACAAACGGGCAAGATTACC[G>A]AGTCCAGACCAACTCCAGCCCCCACAGCCACTCCCACAGCACCTTCGCCCCTACAGGCCA-3'
Protein context (NP_003468.2, residues 220-240): VQLKQTGKIT[Glu230Lys]SRPTPAPTAT

ClinVar aggregate classification (germline): Uncertain significance. Review status: criteria provided, multiple submitters, no conflicts (2 of 4 stars). 3 submissions from 3 submitters: Uncertain significance (3). Last evaluated 2025-01-23.

Conditions:
Inborn genetic diseases. Identifiers: MedGen C0950123, MeSH D030342.

Allele frequency attached by ClinVar (database versions not stated): gnomAD 0.00004; gnomAD exomes 0.00004 and 0.00007; ExAC 0.00006; TOPMed 0.00006; ESP Exome Variant Server 0.00008.
gnomAD v4.1: 62 of 1,613,872 alleles (0.0038%); highest among the groups gnomAD compares: Non-Finnish European, 0.0046%; no homozygotes.

Submissions (3):

Ambry Genetics
Classification: Uncertain significance for Inborn genetic diseases. Last evaluated: 2025-01-23. Review status: criteria provided, single submitter. Criteria: Ambry Variant Classification Scheme 2023. Collection method: clinical testing. Allele origin: germline.

GeneDx
Classification: Uncertain significance. Last evaluated: 2022-12-08. Review status: criteria provided, single submitter. Criteria: GeneDx Variant Classification Process June 2021. Collection method: clinical testing. Allele origin: germline. Affected: yes.
Comment: Not observed at significant frequency in large population cohorts (gnomAD); In silico analysis supports that this missense variant does not alter protein structure/function; Has not been previously published as pathogenic or benign to our knowledge

Labcorp Genetics (formerly Invitae), Labcorp
Classification: Uncertain significance. Last evaluated: 2021-08-14. Review status: criteria provided, single submitter. Criteria: Invitae Variant Classification Sherloc (09022015). Collection method: clinical testing. Allele origin: germline.
Comment: This sequence change replaces glutamic acid with lysine at codon 230 of the PDHX protein (p.Glu230Lys). The glutamic acid residue is weakly conserved and there is a small physicochemical difference between glutamic acid and lysine. This variant is present in population databases (rs370210752, ExAC 0.009%). This variant has not been reported in the literature in individuals affected with PDHX-related conditions. Algorithms developed to predict the effect of missense changes on protein structure and function output the following: SIFT: "Tolerated"; PolyPhen-2: "Benign"; Align-GVGD: "Class C0". The lysine amino acid residue is found in multiple mammalian species, which suggests that this missense change does not adversely affect protein function. In summary, the available evidence is currently insufficient to determine the role of this variant in disease. Therefore, it has been classified as a Variant of Uncertain Significance.